The following is an entry in ClinVar:

NM_001367624.2(ZNF469):c.9074G>T (p.Arg3025Ile)

Gene: ZNF469 (zinc finger protein 469; plus strand). Cytogenetic location: 16q24.2.
Variant type: single nucleotide variant.
Coding change: c.9074G>T on transcript NM_001367624.2 (MANE Select); coding-DNA position 9074, G replaced by T.
Protein change: p.Arg3025Ile; replaces arginine 3025 with isoleucine.
Molecular consequence: missense variant.
Genome position (GRCh38, 1-based): chr16:88,436,544, G>T. VCF-style: chr16-88436544-G-T. GRCh37 (hg19) VCF-style: chr16-88502952-G-T.
Other names: NM_001127464.1:c.8990G>T; short protein forms R3025I.
Identifiers: ClinVar variation 1216179 (VCV001216179.13), dbSNP rs548681380, ClinGen allele CA8225404.

ClinVar aggregate classification (germline): Conflicting classifications of pathogenicity. Review status: criteria provided, conflicting classifications (1 of 4 stars). 4 submissions from 4 submitters: Uncertain significance (3); Likely benign (1). Last evaluated 2025-09-02.

Conditions:
Cardiovascular phenotype. Identifiers: MedGen CN230736.

Allele frequency attached by ClinVar (database versions not stated): ExAC 0.00017; gnomAD 0.00027 and 0.00030; gnomAD exomes 0.00006; 1000 Genomes Project 30x 0.00031; TOPMed 0.00036; 1000 Genomes Project 0.00040.
gnomAD v4.1: 81 of 1,549,620 alleles (0.0052%); highest among the groups gnomAD compares: African/African-American, 0.094%; no homozygotes.

Submissions (4):

Women's Health and Genetics/Laboratory Corporation of America, LabCorp
Classification: Uncertain significance. Last evaluated: 2025-09-02. Review status: criteria provided, single submitter. Criteria: LabCorp Variant Classification Summary - May 2015. Collection method: clinical testing. Allele origin: germline.
Comment: Variant summary: ZNF469 c.9074G>T (p.Arg3025Ile) results in a non-conservative amino acid change in the encoded protein sequence. Algorithms developed to predict the effect of missense changes on protein structure and function are either unavailable or do not agree on the potential impact of this missense change. The variant allele was found at a frequency of 5.9e-05 in 152524 control chromosomes. The available data on variant occurrences in the general population are insufficient to allow any conclusion about variant significance. To our knowledge, no occurrence of c.9074G>T in individuals affected with ZNF469-related conditions and no experimental evidence demonstrating its impact on protein function have been reported. ClinVar contains an entry for this variant (Variation ID: 1216179). Based on the evidence outlined above, the variant was classified as uncertain significance.

Labcorp Genetics (formerly Invitae), Labcorp
Classification: Uncertain significance. Last evaluated: 2025-08-05. Review status: criteria provided, single submitter. Criteria: Invitae Variant Classification Sherloc (09022015). Collection method: clinical testing. Allele origin: germline.
Comment: This sequence change replaces arginine, which is basic and polar, with isoleucine, which is neutral and non-polar, at codon 2997 of the ZNF469 protein (p.Arg2997Ile). This variant is present in population databases (rs548681380, gnomAD 0.1%). This variant has not been reported in the literature in individuals affected with ZNF469-related conditions. ClinVar contains an entry for this variant (Variation ID: 1216179). An algorithm developed to predict the effect of missense changes on protein structure and function (PolyPhen-2) suggests that this variant is likely to be disruptive. In summary, the available evidence is currently insufficient to determine the role of this variant in disease. Therefore, it has been classified as a Variant of Uncertain Significance.

GeneDx
Classification: Uncertain significance. Last evaluated: 2025-06-25. Review status: criteria provided, single submitter. Criteria: GeneDx Variant Classification Process June 2021. Collection method: clinical testing. Allele origin: germline. Affected: yes.
Comment: Has not been previously published as pathogenic or benign to our knowledge; In silico analysis, which includes protein predictors and evolutionary conservation, supports a deleterious effect

Ambry Genetics
Classification: Likely benign for Cardiovascular phenotype. Last evaluated: 2022-08-08. Review status: criteria provided, single submitter. Criteria: Ambry Variant Classification Scheme 2023. Collection method: clinical testing. Allele origin: germline.